The following is an entry in ClinVar:

ClinVar aggregate classification (germline): Uncertain significance. Review status: criteria provided, multiple submitters, no conflicts (2 of 4 stars). 2 submissions from 2 submitters: Uncertain significance (2). Last evaluated 2026-07-06.

Conditions:
Hereditary cancer-predisposing syndrome. Also called: Tumor predisposition; Hereditary neoplastic syndrome; Hereditary Cancer Syndrome; Neoplastic Syndromes, Hereditary. Identifiers: Orphanet 140162, MedGen C0027672, MeSH D009386, MONDO:0015356.
Gastrointestinal stromal tumor. Also called: Gastrointestinal stromal tumor, somatic; Gastrointestinal stroma tumor. Identifiers: Orphanet 44890, MedGen C0238198, MeSH D046152, MONDO:0011719, OMIM 606764, HP:0100723.

Submissions (2):

Ambry Genetics
Classification: Uncertain significance for Hereditary cancer-predisposing syndrome. Last evaluated: 2026-07-06. Review status: criteria provided, single submitter. Criteria: Ambry Variant Classification Scheme 2023. Collection method: clinical testing. Allele origin: germline.
Comment: The p.K37N variant (also known as c.111G>C), located in coding exon 2 of the PDGFRA gene, results from a G to C substitution at nucleotide position 111. The lysine at codon 37 is replaced by asparagine, an amino acid with similar properties. This amino acid position is conserved. In addition, this alteration is predicted to be tolerated by in silico analysis. Based on the available evidence, the clinical significance of this variant remains unclear.

Labcorp Genetics (formerly Invitae), Labcorp
Classification: Uncertain significance for Gastrointestinal stromal tumor. Last evaluated: 2024-11-13. Review status: criteria provided, single submitter. Criteria: Invitae Variant Classification Sherloc (09022015). Collection method: clinical testing. Allele origin: germline.
Comment: This sequence change replaces lysine, which is basic and polar, with asparagine, which is neutral and polar, at codon 37 of the PDGFRA protein (p.Lys37Asn). This variant is not present in population databases (gnomAD no frequency). This variant has not been reported in the literature in individuals affected with PDGFRA-related conditions. Invitae Evidence Modeling of protein sequence and biophysical properties (such as structural, functional, and spatial information, amino acid conservation, physicochemical variation, residue mobility, and thermodynamic stability) indicates that this missense variant is not expected to disrupt PDGFRA protein function with a negative predictive value of 80%. In summary, the available evidence is currently insufficient to determine the role of this variant in disease. Therefore, it has been classified as a Variant of Uncertain Significance.

NM_006206.6(PDGFRA):c.111G>C (p.Lys37Asn)

Gene: PDGFRA (platelet derived growth factor receptor alpha; plus strand). Cytogenetic location: 4q12.
Variant type: single nucleotide variant.
Coding change: c.111G>C on transcript NM_006206.6 (MANE Select); coding-DNA position 111, G replaced by C.
Protein change: p.Lys37Asn; replaces lysine 37 with asparagine.
Molecular consequence: missense variant.
Genome position (GRCh38, 1-based): chr4:54,261,156, G>C. VCF-style: chr4-54261156-G-C. GRCh37 (hg19) VCF-style: chr4-55127323-G-C.
Other names: c.111G>C, p.Lys37Asn (NM_001347827.2, NM_001347829.2); c.186G>C, p.Lys62Asn (NM_001347828.2); c.150G>C, p.Lys50Asn (NM_001347830.2); short protein forms K37N, K50N, K62N.
Identifiers: ClinVar variation 3667190 (VCV003667190.3).
Genomic context (GRCh38, chr4:54,261,156, plus strand): 5'-GCTGAGCCTAATCCTCTGCCAGCTTTCATTACCCTCTATCCTTCCAAATGAAAATGAAAA[G>C]GTTGTGCAGCTGAATTCATCCTTTTCTCTGAGATGCTTTGGGGAGAGTGAAGTGAGCTGG-3'
Protein context (NP_006197.1, residues 27-47): LPSILPNENE[Lys37Asn]VVQLNSSFSL